The following is an entry in ClinVar:

NM_001128840.3(CACNA1D):c.2549del (p.Glu850fs)

Gene: CACNA1D (calcium voltage-gated channel subunit alpha1 D; plus strand). Cytogenetic location: 3p21.1.
Variant type: Deletion.
Coding change: c.2549del on transcript NM_001128840.3 (MANE Select); coding-DNA position 2549, one base deleted (A; older notation c.2549delA).
Protein change: p.Glu850fs; shifts the reading frame from glutamic acid 850.
Molecular consequence: frameshift variant.
Genome position (GRCh38, 1-based): chr3:53,732,890, A deleted. VCF-style (leftmost placement, unchanged base first): chr3-53732889-GA-G. GRCh37 (hg19) VCF-style: chr3-53766916-GA-G.
Other names: c.2609del, p.Glu870fs (NM_000720.4); c.2549del, p.Glu850fs (NM_001128839.3); short protein forms E850fs, E870fs.
Identifiers: ClinVar variation 3373660 (VCV003373660.1).

ClinVar aggregate classification (germline): Uncertain significance (1 of 4 stars; one submission).

Submission:

GeneDx
Classification: Uncertain significance. Last evaluated: 2024-03-06. Review status: criteria provided, single submitter. Criteria: GeneDx Variant Classification Process June 2021. Collection method: clinical testing. Allele origin: germline. Affected: yes.
Comment: Frameshift variant predicted to result in protein truncation or nonsense mediated decay in a gene or region of a gene for which loss of function is not a well-established mechanism of disease; Not observed at significant frequency in large population cohorts (gnomAD); Has not been previously published as pathogenic or benign to our knowledge